The following is an entry in ClinVar:

ClinVar aggregate classification (germline): Uncertain significance. Review status: criteria provided, multiple submitters, no conflicts (2 of 4 stars). 3 submissions from 3 submitters: Uncertain significance (3). Last evaluated 2025-08-08.

Conditions:
Arrhythmogenic right ventricular dysplasia 12. Also called: ARRHYTHMOGENIC RIGHT VENTRICULAR DYSPLASIA, FAMILIAL, 12. Identifiers: MedGen C1969081, MONDO:0012684, OMIM 611528.
Naxos disease (NXD). Also called: KERATOSIS PALMOPLANTARIS WITH ARRHYTHMOGENIC CARDIOMYOPATHY; MAL DE NAXOS; PALMOPLANTAR KERATODERMA WITH ARRHYTHMOGENIC RIGHT VENTRICULAR CARDIOMYOPATHY AND WOOLLY HAIR; WOOLLY HAIR, PALMOPLANTAR KERATODERMA, AND CARDIAC ABNORMALITIES; CARDIOMYOPATHY, ARRHYTHMOGENIC RIGHT VENTRICULAR, WITH SKIN, HAIR, AND NAIL ABNORMALITIES. Identifiers: Orphanet 34217, MedGen C1832600, MONDO:0011017, OMIM 601214.
Cardiovascular phenotype. Identifiers: MedGen CN230736.

Allele frequency attached by ClinVar (database versions not stated): gnomAD 0.00001; gnomAD exomes 0.00001; TOPMed 0.00002; ESP Exome Variant Server 0.00008.
gnomAD v4.1: 16 of 1,613,826 alleles (0.00099%); highest among the groups gnomAD compares: East Asian, 0.0022%; no homozygotes.

Submissions (3):

Ambry Genetics
Classification: Uncertain significance for Cardiovascular phenotype. Last evaluated: 2025-08-08. Review status: criteria provided, single submitter. Criteria: Ambry Variant Classification Scheme 2023. Collection method: clinical testing. Allele origin: germline.
Comment: The p.R577H variant (also known as c.1730G>A), located in coding exon 9 of the JUP gene, results from a G to A substitution at nucleotide position 1730. The arginine at codon 577 is replaced by histidine, an amino acid with highly similar properties. This amino acid position is highly conserved in available vertebrate species. In addition, this alteration is predicted to be deleterious by in silico analysis. Based on the available evidence, the clinical significance of this variant remains unclear.

Labcorp Genetics (formerly Invitae), Labcorp
Classification: Uncertain significance for Arrhythmogenic right ventricular dysplasia 12; Naxos disease. Last evaluated: 2025-01-22. Review status: criteria provided, single submitter. Criteria: Invitae Variant Classification Sherloc (09022015). Collection method: clinical testing. Allele origin: germline.
Comment: This sequence change replaces arginine, which is basic and polar, with histidine, which is basic and polar, at codon 577 of the JUP protein (p.Arg577His). This variant is present in population databases (rs373434456, gnomAD 0.002%). This variant has not been reported in the literature in individuals affected with JUP-related conditions. ClinVar contains an entry for this variant (Variation ID: 1684059). An algorithm developed to predict the effect of missense changes on protein structure and function (PolyPhen-2) suggests that this variant is likely to be disruptive. In summary, the available evidence is currently insufficient to determine the role of this variant in disease. Therefore, it has been classified as a Variant of Uncertain Significance.

GeneDx
Classification: Uncertain significance. Last evaluated: 2022-05-13. Review status: criteria provided, single submitter. Criteria: GeneDx Variant Classification Process June 2021. Collection method: clinical testing. Allele origin: germline. Affected: yes.
Comment: Reported in an individual with DCM who also has a variant in the RBM20 gene (Verdonschot et al., 2020); Not observed at significant frequency in large population cohorts (gnomAD); In silico analysis supports that this missense variant has a deleterious effect on protein structure/function; This variant is associated with the following publications: (PMID: 25848751, 32880476)

Literature cited by the submitters: PubMed 30847666 (cited by Ambry Genetics); PubMed 32880476 (cited by Ambry Genetics).

NM_002230.4(JUP):c.1730G>A (p.Arg577His)

Gene: JUP (junction plakoglobin; minus strand). Cytogenetic location: 17q21.2.
Variant type: single nucleotide variant.
Coding change: c.1730G>A on transcript NM_002230.4 (MANE Select); coding-DNA position 1730, G replaced by A.
Protein change: p.Arg577His; replaces arginine 577 with histidine.
Molecular consequence: missense variant.
Genome position (GRCh38, 1-based): chr17:41,758,442, C>T on the plus strand (G>A on the coding strand, the complement: JUP is on the minus strand). VCF-style: chr17-41758442-C-T. GRCh37 (hg19) VCF-style: chr17-39914694-C-T.
Other names: c.1730G>A, p.Arg577His (NM_001352773.2, NM_001352774.2, NM_001352775.2 and 3 more transcripts); short protein forms R577H.
Identifiers: ClinVar variation 1684059 (VCV001684059.8), dbSNP rs373434456, ClinGen allele CA290695998.